The following is an entry in ClinVar:

ClinVar aggregate classification (germline): Uncertain significance (1 of 4 stars; one submission).

Conditions:
Cone-rod dystrophy 6 (CORD6). Also called: RETINAL CONE DYSTROPHY 2; Cone dystrophy progressive. Identifiers: Orphanet 1872, MedGen C1866293, MONDO:0011143, OMIM 601777.
Leber congenital amaurosis 1 (LCA1). Also called: RETINAL BLINDNESS, CONGENITAL; Congenital absence of the rods and cones; Leber's congenital tapetoretinal degeneration; Leber's congenital tapetoretinal dysplasia; AMAUROSIS CONGENITA OF LEBER I. Identifiers: Orphanet 65, MedGen C2931258, MONDO:0008764, OMIM 204000.

Allele frequency attached by ClinVar (database versions not stated): gnomAD 0.00001.
gnomAD v4.1: 1 of 1,613,912 alleles (0.000062%); highest among the groups gnomAD compares: African/African-American, 0.0013%; no homozygotes.

Submission:

Labcorp Genetics (formerly Invitae), Labcorp
Classification: Uncertain significance for Leber congenital amaurosis 1; Cone-rod dystrophy 6. Last evaluated: 2022-09-13. Review status: criteria provided, single submitter. Criteria: Invitae Variant Classification Sherloc (09022015). Collection method: clinical testing. Allele origin: germline.
Comment: This sequence change affects codon 754 of the GUCY2D mRNA. It is a 'silent' change, meaning that it does not change the encoded amino acid sequence of the GUCY2D protein. It affects a nucleotide within the consensus splice site. This variant is not present in population databases (gnomAD no frequency). This variant has not been reported in the literature in individuals affected with GUCY2D-related conditions. ClinVar contains an entry for this variant (Variation ID: 1481368). Algorithms developed to predict the effect of sequence changes on RNA splicing suggest that this variant is not likely to affect RNA splicing. In summary, the available evidence is currently insufficient to determine the role of this variant in disease. Therefore, it has been classified as a Variant of Uncertain Significance.

NM_000180.4(GUCY2D):c.2262G>A (p.Glu754=)

Gene: GUCY2D (guanylate cyclase 2D, retinal; plus strand). Cytogenetic location: 17p13.1.
Variant type: single nucleotide variant.
Coding change: c.2262G>A on transcript NM_000180.4 (MANE Select); coding-DNA position 2262, G replaced by A.
Protein change: p.Glu754=; no amino-acid change (glutamic acid 754 retained).
Molecular consequence: synonymous variant.
Genome position (GRCh38, 1-based): chr17:8,013,251, G>A. VCF-style: chr17-8013251-G-A. GRCh37 (hg19) VCF-style: chr17-7916569-G-A.
Identifiers: ClinVar variation 1481368 (VCV001481368.5), dbSNP rs1975893237, ClinGen allele CA497751808.